The following is an entry in ClinVar:

NM_001018115.3(FANCD2):c.246C>T (p.Thr82=)

Genes: FANCD2 (FA complementation group D2; plus strand), LOC107303338 (3p25 FANCD2 Alu-mediated recombination region; plus strand). Cytogenetic location: 3p25.3.
Variant type: single nucleotide variant.
Coding change: c.246C>T on transcript NM_001018115.3 (MANE Select); coding-DNA position 246, C replaced by T.
Protein change: p.Thr82=; no amino-acid change (threonine 82 retained).
Molecular consequence: synonymous variant.
Genome position (GRCh38, 1-based): chr3:10,034,509, C>T. VCF-style: chr3-10034509-C-T. GRCh37 (hg19) VCF-style: chr3-10076193-C-T.
Other names: c.246C>T, p.Thr82= (NM_001319984.2, NM_001374253.1, NM_001374254.1 and 2 more transcripts).
Identifiers: ClinVar variation 435142 (VCV000435142.17), dbSNP rs371915501, ClinGen allele CA2249154.

ClinVar aggregate classification (germline): Likely benign. Review status: criteria provided, multiple submitters, no conflicts (2 of 4 stars). 6 submissions from 6 submitters: Likely benign (6). Last evaluated 2026-02-01.

Conditions:
FANCD2-related disorder. Also called: FANCD2-related condition.
Fanconi anemia (FA). Also called: Fanconi's anemia. Identifiers: Orphanet 84, MedGen C0015625, MeSH D005199, MONDO:0019391.
Fanconi anemia complementation group D2. Also called: FANCD2-Related Fanconi Anemia; FANCONI PANCYTOPENIA, TYPE 4; FANCONI ANEMIA, COMPLEMENTATION GROUP D. Identifiers: Orphanet 84, MedGen C3160738, MONDO:0009214, OMIM 227646.

Allele frequency attached by ClinVar (database versions not stated): gnomAD exomes 0.00001 and 0.00007; ESP Exome Variant Server 0.00008; ExAC 0.00012; gnomAD 0.00034 and 0.00035; TOPMed 0.00035; 1000 Genomes Project 0.00080; 1000 Genomes Project 30x 0.00094.
gnomAD v4.1: 79 of 1,612,576 alleles (0.0049%); highest among the groups gnomAD compares: African/African-American, 0.089%; no homozygotes.

Submissions (6):

Labcorp Genetics (formerly Invitae), Labcorp
Classification: Likely benign for Fanconi anemia. Last evaluated: 2026-02-01. Review status: criteria provided, single submitter. Criteria: Invitae Variant Classification Sherloc (09022015). Collection method: clinical testing. Allele origin: germline.

PreventionGenetics, part of Exact Sciences
Classification: Likely benign for FANCD2-related condition. Last evaluated: 2024-12-19. Review status: criteria provided, single submitter. Criteria: ACMG Guidelines, 2015. Collection method: clinical testing. Allele origin: germline.
Comment: This variant is classified as likely benign based on ACMG/AMP sequence variant interpretation guidelines (Richards et al. 2015 PMID: 25741868, with internal and published modifications).

Blueprint Genetics
Classification: Likely benign. Last evaluated: 2022-07-11. Review status: criteria provided, single submitter. Criteria: ACMG Guidelines, 2015. Collection method: clinical testing. Allele origin: germline.

Fulgent Genetics
Classification: Likely benign for Fanconi anemia complementation group D2. Last evaluated: 2021-10-29. Review status: criteria provided, single submitter. Criteria: ACMG Guidelines, 2015. Collection method: clinical testing. Allele origin: unknown.

Sema4
Classification: Likely benign for Fanconi anemia. Last evaluated: 2021-08-04. Review status: criteria provided, single submitter. Criteria: Sema4 Curation Guidelines. Collection method: curation. Allele origin: germline.

Genetic Services Laboratory, University of Chicago
Classification: Likely benign. Last evaluated: 2016-12-07. Review status: criteria provided, single submitter. Criteria: ACMG Guidelines, 2015. Collection method: clinical testing. Allele origin: germline. Affected: no.